The following is an entry in ClinVar:

ClinVar aggregate classification (germline): Uncertain significance (1 of 4 stars; one submission).

Conditions:
Dyskeratosis congenita, autosomal dominant 2. Identifiers: MedGen C3151443, MONDO:0013521, OMIM 613989.
Idiopathic Pulmonary Fibrosis. Also called: Idiopathic fibrosing alveolitis, chronic form; idiopathic fibrosing alveolitis. Identifiers: Orphanet 2032, MedGen C1800706, MeSH D054990, MONDO:0800504.

Submission:

Labcorp Genetics (formerly Invitae), Labcorp
Classification: Uncertain significance for Dyskeratosis congenita, autosomal dominant 2; Idiopathic Pulmonary Fibrosis. Last evaluated: 2022-10-08. Review status: criteria provided, single submitter. Criteria: Invitae Variant Classification Sherloc (09022015). Collection method: clinical testing. Allele origin: germline.
Comment: In summary, the available evidence is currently insufficient to determine the role of this variant in disease. Therefore, it has been classified as a Variant of Uncertain Significance. Advanced modeling of protein sequence and biophysical properties (such as structural, functional, and spatial information, amino acid conservation, physicochemical variation, residue mobility, and thermodynamic stability) performed at Invitae indicates that this missense variant is expected to disrupt TERT protein function. This variant has not been reported in the literature in individuals affected with TERT-related conditions. This variant is not present in population databases (gnomAD no frequency). This sequence change replaces glutamic acid, which is acidic and polar, with aspartic acid, which is acidic and polar, at codon 1068 of the TERT protein (p.Glu1068Asp).

NM_198253.3(TERT):c.3204G>T (p.Glu1068Asp)

Gene: TERT (telomerase reverse transcriptase; minus strand). Cytogenetic location: 5p15.33.
Variant type: single nucleotide variant.
Coding change: c.3204G>T on transcript NM_198253.3 (MANE Select); coding-DNA position 3204, G replaced by T.
Protein change: p.Glu1068Asp; replaces glutamic acid 1068 with aspartic acid.
Molecular consequence: missense variant. On other transcripts: non-coding transcript variant (2).
Genome position (GRCh38, 1-based): chr5:1,254,459, C>A on the plus strand (G>T on the coding strand, the complement: TERT is on the minus strand). VCF-style: chr5-1254459-C-A. GRCh37 (hg19) VCF-style: chr5-1254574-C-A.
Other names: c.3015G>T, p.Glu1005Asp (NM_001193376.3); c.3204G>T, p.Glu1068Asp (NM_003219.1); short protein forms E1005D, E1068D.
Identifiers: ClinVar variation 1721324 (VCV001721324.6), dbSNP rs2478074135, ClinGen allele CA359067429.